The following is an entry in ClinVar:

ClinVar aggregate classification (germline): Likely benign (1 of 4 stars; one submission).

Conditions:
F8-related disorder. Also called: F8-related condition.

gnomAD v4.1: 1 of 1,209,153 alleles (0.000083%); highest among the groups gnomAD compares: Middle Eastern, 0.023%; no homozygotes.

Submission:

PreventionGenetics, part of Exact Sciences
Classification: Likely benign for F8-related condition. Last evaluated: 2025-02-03. Review status: criteria provided, single submitter. Criteria: ACMG Guidelines, 2015. Collection method: clinical testing. Allele origin: germline.
Comment: This variant is classified as likely benign based on ACMG/AMP sequence variant interpretation guidelines (Richards et al. 2015 PMID: 25741868, with internal and published modifications).

NM_000132.4(F8):c.5793T>C (p.Phe1931=)

Gene: F8 (coagulation factor VIII; minus strand). Cytogenetic location: Xq28.
Variant type: single nucleotide variant.
Coding change: c.5793T>C on transcript NM_000132.4 (MANE Select); coding-DNA position 5793, T replaced by C.
Protein change: p.Phe1931=; no amino-acid change (phenylalanine 1931 retained).
Molecular consequence: synonymous variant.
Genome position (GRCh38, 1-based): chrX:154,904,318, A>G on the plus strand (T>C on the coding strand, the complement: F8 is on the minus strand). VCF-style: chrX-154904318-A-G. GRCh37 (hg19) VCF-style: chrX-154132593-A-G.
Identifiers: ClinVar variation 4977825 (VCV004977825.1).